The following is an entry in ClinVar:

ClinVar aggregate classification (germline): Uncertain significance (1 of 4 stars; one submission).

Allele frequency attached by ClinVar (database versions not stated): gnomAD exomes below 0.00001.
gnomAD v4.1: 1 of 1,614,124 alleles (0.000062%); highest among the groups gnomAD compares: Non-Finnish European, 0.000085%; no homozygotes.

Submission:

Labcorp Genetics (formerly Invitae), Labcorp
Classification: Uncertain significance. Last evaluated: 2022-09-10. Review status: criteria provided, single submitter. Criteria: Invitae Variant Classification Sherloc (09022015). Collection method: clinical testing. Allele origin: germline.
Comment: In summary, the available evidence is currently insufficient to determine the role of this variant in disease. Therefore, it has been classified as a Variant of Uncertain Significance. Algorithms developed to predict the effect of missense changes on protein structure and function output the following: SIFT: "Not Available"; PolyPhen-2: "Benign"; Align-GVGD: "Not Available". The threonine amino acid residue is found in multiple mammalian species, which suggests that this missense change does not adversely affect protein function. This variant has not been reported in the literature in individuals affected with IDH3B-related conditions. This variant is not present in population databases (gnomAD no frequency). This sequence change replaces alanine, which is neutral and non-polar, with threonine, which is neutral and polar, at codon 30 of the IDH3B protein (p.Ala30Thr).

NM_006899.5(IDH3B):c.88G>A (p.Ala30Thr)

Gene: IDH3B (isocitrate dehydrogenase (NAD(+)) 3 non-catalytic subunit beta; minus strand). Cytogenetic location: 20p13.
Variant type: single nucleotide variant.
Coding change: c.88G>A on transcript NM_006899.5 (MANE Select); coding-DNA position 88, G replaced by A.
Protein change: p.Ala30Thr; replaces alanine 30 with threonine.
Molecular consequence: missense variant. On other transcripts: non-coding transcript variant (1).
Genome position (GRCh38, 1-based): chr20:2,663,954, C>T on the plus strand (G>A on the coding strand, the complement: IDH3B is on the minus strand). VCF-style: chr20-2663954-C-T. GRCh37 (hg19) VCF-style: chr20-2644600-C-T.
Other names: c.88G>A, p.Ala30Thr (NM_001258384.3, NM_001330763.2, NM_174855.4); short protein forms A30T.
Identifiers: ClinVar variation 1719198 (VCV001719198.5), dbSNP rs2514769434, ClinGen allele CA408040647.